The following is an entry in ClinVar:

NM_006389.5(HYOU1):c.903G>T (p.Glu301Asp)

Gene: HYOU1 (hypoxia up-regulated 1; minus strand). Cytogenetic location: 11q23.3.
Variant type: single nucleotide variant.
Coding change: c.903G>T on transcript NM_006389.5 (MANE Select); coding-DNA position 903, G replaced by T.
Protein change: p.Glu301Asp; replaces glutamic acid 301 with aspartic acid.
Molecular consequence: missense variant.
Genome position (GRCh38, 1-based): chr11:119,052,721, C>A on the plus strand (G>T on the coding strand, the complement: HYOU1 is on the minus strand). VCF-style: chr11-119052721-C-A. GRCh37 (hg19) VCF-style: chr11-118923433-C-A.
Other names: c.903G>T, p.Glu301Asp (NM_001130991.3, NM_001411041.1); short protein forms E301D.
Identifiers: ClinVar variation 1949269 (VCV001949269.5), dbSNP rs2497176104, ClinGen allele CA382944006.

ClinVar aggregate classification (germline): Uncertain significance (1 of 4 stars; one submission).

Submission:

Labcorp Genetics (formerly Invitae), Labcorp
Classification: Uncertain significance. Last evaluated: 2022-10-19. Review status: criteria provided, single submitter. Criteria: Invitae Variant Classification Sherloc (09022015). Collection method: clinical testing. Allele origin: germline.
Comment: In summary, the available evidence is currently insufficient to determine the role of this variant in disease. Therefore, it has been classified as a Variant of Uncertain Significance. Algorithms developed to predict the effect of missense changes on protein structure and function are either unavailable or do not agree on the potential impact of this missense change (SIFT: "Not Available"; PolyPhen-2: "Benign"; Align-GVGD: "Not Available"). This variant has not been reported in the literature in individuals affected with HYOU1-related conditions. This variant is not present in population databases (gnomAD no frequency). This sequence change replaces glutamic acid, which is acidic and polar, with aspartic acid, which is acidic and polar, at codon 301 of the HYOU1 protein (p.Glu301Asp).